The following is an entry in ClinVar:

NM_001385012.1(NBEA):c.8602A>G (p.Ser2868Gly)

Gene: NBEA (neurobeachin; plus strand). Cytogenetic location: 13q13.3.
Variant type: single nucleotide variant.
Coding change: c.8602A>G on transcript NM_001385012.1 (MANE Select); coding-DNA position 8602, A replaced by G.
Protein change: p.Ser2868Gly; replaces serine 2868 with glycine.
Molecular consequence: missense variant.
Genome position (GRCh38, 1-based): chr13:35,667,511, A>G. VCF-style: chr13-35667511-A-G. GRCh37 (hg19) VCF-style: chr13-36241648-A-G.
Other names: c.1918A>G, p.Ser640Gly (NM_001204197.3); c.8593A>G, p.Ser2865Gly (NM_001379245.1); c.8539A>G, p.Ser2847Gly (NM_015678.5); short protein forms S2847G, S2865G, S2868G, S640G.
Identifiers: ClinVar variation 2662655 (VCV002662655.2), dbSNP rs2550044812, ClinGen allele CA387842959.

ClinVar aggregate classification (germline): Uncertain significance. Review status: criteria provided, multiple submitters, no conflicts (2 of 4 stars). 2 submissions from 2 submitters: Uncertain significance (2). Last evaluated 2026-08-17.

Conditions:
Inborn genetic diseases. Identifiers: MedGen C0950123, MeSH D030342.

Submissions (2):

Ambry Genetics
Classification: Uncertain significance for Inborn genetic diseases. Last evaluated: 2026-08-17. Review status: criteria provided, single submitter. Criteria: Ambry Variant Classification Scheme 2023. Collection method: clinical testing. Allele origin: germline.

GeneDx
Classification: Uncertain significance. Last evaluated: 2023-04-11. Review status: criteria provided, single submitter. Criteria: GeneDx Variant Classification Process June 2021. Collection method: clinical testing. Allele origin: germline. Affected: yes.
Comment: Not observed at significant frequency in large population cohorts (gnomAD); In silico analysis supports that this missense variant does not alter protein structure/function; In silico analysis suggests this variant may impact gene splicing. In the absence of RNA/functional studies, the actual effect of this sequence change is unknown.; Has not been previously published as pathogenic or benign to our knowledge